The following is an entry in ClinVar:

NM_001167.4(XIAP):c.640G>A (p.Asp214Asn)

Gene: XIAP (X-linked inhibitor of apoptosis; plus strand). Cytogenetic location: Xq25.
Variant type: single nucleotide variant.
Coding change: c.640G>A on transcript NM_001167.4 (MANE Select); coding-DNA position 640, G replaced by A.
Protein change: p.Asp214Asn; replaces aspartic acid 214 with asparagine.
Molecular consequence: missense variant.
Genome position (GRCh38, 1-based): chrX:123,886,302, G>A. VCF-style: chrX-123886302-G-A. GRCh37 (hg19) VCF-style: chrX-123020152-G-A.
Other names: c.640G>A, p.Asp214Asn (NM_001204401.2, NM_001378590.1, NM_001378591.1 and 1 more transcripts); short protein forms D214N.
Identifiers: ClinVar variation 3640751 (VCV003640751.2).

ClinVar aggregate classification (germline): Uncertain significance (1 of 4 stars; one submission).

Conditions:
X-linked lymphoproliferative disease due to XIAP deficiency. Also called: XIAP-Related Lymphoproliferative Disease, X-Linked; XIAP DEFICIENCY. Identifiers: Orphanet 2442, Orphanet 538934, MedGen C1845076, MONDO:0010385, OMIM 300635.

Submission:

Labcorp Genetics (formerly Invitae), Labcorp
Classification: Uncertain significance for X-linked lymphoproliferative disease due to XIAP deficiency. Last evaluated: 2024-02-14. Review status: criteria provided, single submitter. Criteria: Invitae Variant Classification Sherloc (09022015). Collection method: clinical testing. Allele origin: germline.
Comment: This sequence change replaces aspartic acid, which is acidic and polar, with asparagine, which is neutral and polar, at codon 214 of the XIAP protein (p.Asp214Asn). This variant is not present in population databases (gnomAD no frequency). This variant has not been reported in the literature in individuals affected with XIAP-related conditions. Advanced modeling of protein sequence and biophysical properties (such as structural, functional, and spatial information, amino acid conservation, physicochemical variation, residue mobility, and thermodynamic stability) performed at Invitae indicates that this missense variant is expected to disrupt XIAP protein function with a positive predictive value of 80%. In summary, the available evidence is currently insufficient to determine the role of this variant in disease. Therefore, it has been classified as a Variant of Uncertain Significance.